The following is an entry in ClinVar:

NM_013275.6(ANKRD11):c.3495G>A (p.Arg1165=)

Gene: ANKRD11 (ankyrin repeat domain 11; minus strand). Cytogenetic location: 16q24.3.
Variant type: single nucleotide variant.
Coding change: c.3495G>A on transcript NM_013275.6 (MANE Select); coding-DNA position 3495, G replaced by A.
Protein change: p.Arg1165=; no amino-acid change (arginine 1165 retained).
Molecular consequence: synonymous variant.
Genome position (GRCh38, 1-based): chr16:89,283,047, C>T on the plus strand (G>A on the coding strand, the complement: ANKRD11 is on the minus strand). VCF-style: chr16-89283047-C-T. GRCh37 (hg19) VCF-style: chr16-89349455-C-T.
Other names: c.3495G>A, p.Arg1165= (NM_001256182.2, NM_001256183.2).
Identifiers: ClinVar variation 729724 (VCV000729724.11), dbSNP rs112888268, ClinGen allele CA8242344.

ClinVar aggregate classification (germline): Likely benign. Review status: criteria provided, multiple submitters, no conflicts (2 of 4 stars). 3 submissions from 3 submitters: Likely benign (2). 1 of the submissions does not count toward it. Last evaluated 2025-02-04.

Conditions:
Inborn genetic diseases. Identifiers: MedGen C0950123, MeSH D030342.
KBG syndrome (KBGS). Also called: ANKRD11-Related KBG Syndrome. Identifiers: Orphanet 2332, MedGen C0220687, MONDO:0007846, OMIM 148050.
ANKRD11-related disorder. Also called: ANKRD11-related condition.

Allele frequency attached by ClinVar (database versions not stated): gnomAD exomes 0.00001 and 0.00003; ExAC 0.00002; ESP Exome Variant Server 0.00008; gnomAD 0.00013 and 0.00016; TOPMed 0.00014.
gnomAD v4.1: 37 of 1,613,934 alleles (0.0023%); highest among the groups gnomAD compares: African/African-American, 0.041%; no homozygotes.

Submissions (3):

Labcorp Genetics (formerly Invitae), Labcorp
Classification: Likely benign for KBG syndrome. Last evaluated: 2025-02-04. Review status: criteria provided, single submitter. Criteria: Invitae Variant Classification Sherloc (09022015). Collection method: clinical testing. Allele origin: germline.

Ambry Genetics
Classification: Likely benign for Inborn genetic diseases. Last evaluated: 2017-10-13. Review status: criteria provided, single submitter. Criteria: Ambry Variant Classification Scheme 2023. Collection method: clinical testing. Allele origin: germline.

PreventionGenetics, part of Exact Sciences
Classification: Likely benign for ANKRD11-related condition. Last evaluated: 2024-05-23. Review status: no assertion criteria provided. Collection method: clinical testing. Allele origin: germline. Not counted in ClinVar's aggregate classification.
Comment: This variant is classified as likely benign based on ACMG/AMP sequence variant interpretation guidelines (Richards et al. 2015 PMID: 25741868, with internal and published modifications).